The following is an entry in ClinVar:

ClinVar aggregate classification (germline): Uncertain significance (1 of 4 stars; one submission).

Allele frequency attached by ClinVar (database versions not stated): gnomAD 0.00001.

Submission:

Labcorp Genetics (formerly Invitae), Labcorp
Classification: Uncertain significance. Last evaluated: 2022-05-27. Review status: criteria provided, single submitter. Criteria: Invitae Variant Classification Sherloc (09022015). Collection method: clinical testing. Allele origin: germline.
Comment: In summary, the available evidence is currently insufficient to determine the role of this variant in disease. Therefore, it has been classified as a Variant of Uncertain Significance. Algorithms developed to predict the effect of sequence changes on RNA splicing suggest that this variant may disrupt the consensus splice site. This variant has not been reported in the literature in individuals affected with SULF1-related conditions. This variant is present in population databases (no rsID available, gnomAD 0.01%). This sequence change falls in intron 9 of the SULF1 gene. It does not directly change the encoded amino acid sequence of the SULF1 protein.

NM_001128205.2(SULF1):c.866_885+45dup

Gene: SULF1 (sulfatase 1; plus strand). Cytogenetic location: 8q13.3.
Variant type: Duplication.
Coding change: c.866_885+45dup on transcript NM_001128205.2 (MANE Select); coding-DNA position 866 through 45 bases into the intron after coding-DNA position 885, 65 bases duplicated.
Molecular consequence: splice donor variant.
Genome position (GRCh38, 1-based): chr8:69,600,734-69,600,798, 65 bases duplicated. GRCh37 (hg19): chr8:70,512,969-70,513,033.
Other names: c.866_885+45dup (NM_015170.3, NM_001128204.2, NM_001128206.2).
Identifiers: ClinVar variation 1504267 (VCV001504267.8), dbSNP rs1563572766, ClinGen allele CA582524344.